The following is an entry in ClinVar:

ClinVar aggregate classification (germline): Likely benign (1 of 4 stars; one submission).

Allele frequency attached by ClinVar (database versions not stated): gnomAD exomes 0.00018; gnomAD 0.00021; TOPMed 0.00042; ExAC 0.00050; 1000 Genomes Project 30x 0.00062; 1000 Genomes Project 0.00079.
gnomAD v4.1: 215 of 1,209,181 alleles (0.018%); highest among the groups gnomAD compares: East Asian, 0.6%; 2 homozygotes.

Submission:

CeGaT Center for Human Genetics Tuebingen
Classification: Likely benign. Last evaluated: 2023-02-01. Review status: criteria provided, single submitter. Criteria: CeGaT Center For Human Genetics Tuebingen Variant Classification Criteria Version 2. Collection method: clinical testing. Allele origin: germline. Affected: yes. Observed: 2 variant alleles.
Comment: ATP7A: BS2; PGAM4: BP4, BP7, BS2; PGK1: BS2

NM_000052.7(ATP7A):c.-21-2105G>A

Genes: ATP7A (ATPase copper transporting alpha; plus strand), PGAM4 (phosphoglycerate mutase family member 4; minus strand), PGK1 (phosphoglycerate kinase 1; plus strand). Cytogenetic location: Xq21.1.
Variant type: single nucleotide variant.
Coding change: c.-21-2105G>A on transcript NM_000052.7 (MANE Select); 2105 bases into the intron before 21 bases upstream of the start codon, G replaced by A.
Molecular consequence: intron variant. On other transcripts: synonymous variant (1).
Genome position (GRCh38, 1-based): chrX:77,969,516, G>A. VCF-style: chrX-77969516-G-A. GRCh37 (hg19) VCF-style: chrX-77225013-G-A.
Other names: c.123C>T, p.Gly41= (NM_001029891.3); c.-21-2105G>A (NM_001282224.2).
Identifiers: ClinVar variation 2660963 (VCV002660963.24), dbSNP rs201000573, ClinGen allele CA10458831.